The following is an entry in ClinVar:

NM_019098.5(CNGB3):c.2071C>G (p.Leu691Val)

Gene: CNGB3 (cyclic nucleotide gated channel subunit beta 3; minus strand). Cytogenetic location: 8q21.3.
Variant type: single nucleotide variant.
Coding change: c.2071C>G on transcript NM_019098.5 (MANE Select); coding-DNA position 2071, C replaced by G.
Protein change: p.Leu691Val; replaces leucine 691 with valine.
Molecular consequence: missense variant.
Genome position (GRCh38, 1-based): chr8:86,578,721, G>C on the plus strand (C>G on the coding strand, the complement: CNGB3 is on the minus strand). VCF-style: chr8-86578721-G-C. GRCh37 (hg19) VCF-style: chr8-87590949-G-C.
Other names: short protein forms L691V.
Identifiers: ClinVar variation 2003983 (VCV002003983.4), dbSNP rs2538027587, ClinGen allele CA371447275.
Genomic context (GRCh38, chr8:86,578,721, plus strand): 5'-CAGCCGTCCATTCACTCCACCTTATTACCTGAGCTGCTTGCTCTCGCTTCAATTTGAGTA[G>C]TCTTGCAAGACTTGCTTTTCCTGTGCCTCCTAGGAGAGTTTTAAACAGTTTGGGTGTCTC-3'
Protein context (NP_061971.3, residues 681-701): GGTGKASLAR[Leu691Val]LKLKREQAAQ

ClinVar aggregate classification (germline): Uncertain significance (1 of 4 stars; one submission).

Submission:

Labcorp Genetics (formerly Invitae), Labcorp
Classification: Uncertain significance. Last evaluated: 2022-06-09. Review status: criteria provided, single submitter. Criteria: Invitae Variant Classification Sherloc (09022015). Collection method: clinical testing. Allele origin: germline.
Comment: In summary, the available evidence is currently insufficient to determine the role of this variant in disease. Therefore, it has been classified as a Variant of Uncertain Significance. Advanced modeling of protein sequence and biophysical properties (such as structural, functional, and spatial information, amino acid conservation, physicochemical variation, residue mobility, and thermodynamic stability) performed at Invitae indicates that this missense variant is not expected to disrupt CNGB3 protein function. This variant has not been reported in the literature in individuals affected with CNGB3-related conditions. This variant is not present in population databases (gnomAD no frequency). This sequence change replaces leucine, which is neutral and non-polar, with valine, which is neutral and non-polar, at codon 691 of the CNGB3 protein (p.Leu691Val).